The following is an entry in ClinVar:

ClinVar aggregate classification (germline): Uncertain significance. Review status: criteria provided, multiple submitters, no conflicts (2 of 4 stars). 2 submissions from 2 submitters: Uncertain significance (2). Last evaluated 2023-01-01.

Conditions:
T-B+ severe combined immunodeficiency due to JAK3 deficiency. Also called: SCID, T CELL-NEGATIVE, B CELL-POSITIVE, NK CELL-NEGATIVE; SCID, autosomal recessive, T-negative/B-positive type. Identifiers: Orphanet 35078, MedGen C1833275, MONDO:0010938, OMIM 600802.

Allele frequency attached by ClinVar (database versions not stated): gnomAD exomes below 0.00001.

Submissions (2):

CeGaT Center for Human Genetics Tuebingen
Classification: Uncertain significance. Last evaluated: 2023-01-01. Review status: criteria provided, single submitter. Criteria: CeGaT Center For Human Genetics Tuebingen Variant Classification Criteria Version 2. Collection method: clinical testing. Allele origin: germline. Affected: yes. Observed: 1 variant allele.
Comment: JAK3: PM2

Labcorp Genetics (formerly Invitae), Labcorp
Classification: Uncertain significance for T-B+ severe combined immunodeficiency due to JAK3 deficiency. Last evaluated: 2022-02-22. Review status: criteria provided, single submitter. Criteria: Invitae Variant Classification Sherloc (09022015). Collection method: clinical testing. Allele origin: germline.
Comment: This sequence change replaces arginine, which is basic and polar, with histidine, which is basic and polar, at codon 223 of the JAK3 protein (p.Arg223His). The frequency data for this variant in the population databases is considered unreliable, as metrics indicate poor data quality at this position in the gnomAD database. This variant has not been reported in the literature in individuals affected with JAK3-related conditions. Algorithms developed to predict the effect of missense changes on protein structure and function are either unavailable or do not agree on the potential impact of this missense change (SIFT: "Tolerated"; PolyPhen-2: "Possibly Damaging"; Align-GVGD: "Class C0"). In summary, the available evidence is currently insufficient to determine the role of this variant in disease. Therefore, it has been classified as a Variant of Uncertain Significance.

NM_000215.4(JAK3):c.668G>A (p.Arg223His)

Gene: JAK3 (Janus kinase 3; minus strand). Cytogenetic location: 19p13.11.
Variant type: single nucleotide variant.
Coding change: c.668G>A on transcript NM_000215.4 (MANE Select); coding-DNA position 668, G replaced by A.
Protein change: p.Arg223His; replaces arginine 223 with histidine.
Molecular consequence: missense variant.
Genome position (GRCh38, 1-based): chr19:17,842,509, C>T on the plus strand (G>A on the coding strand, the complement: JAK3 is on the minus strand). VCF-style: chr19-17842509-C-T. GRCh37 (hg19) VCF-style: chr19-17953318-C-T.
Other names: short protein forms R223H.
Identifiers: ClinVar variation 1971336 (VCV001971336.26), dbSNP rs765732864, ClinGen allele CA9302105.